The following is an entry in ClinVar:

NM_017777.4(MKS1):c.203del (p.Pro68fs)

Gene: MKS1 (MKS transition zone complex subunit 1; minus strand). Cytogenetic location: 17q22.
Variant type: Deletion.
Coding change: c.203del on transcript NM_017777.4 (MANE Select); coding-DNA position 203, one base deleted (C; older notation c.203delC).
Protein change: p.Pro68fs; shifts the reading frame from proline 68.
Molecular consequence: frameshift variant. On other transcripts: 5 prime UTR variant (1).
Genome position (GRCh38, 1-based): chr17:58,216,724, G deleted on the plus strand (C on the coding strand, the reverse complement: MKS1 is on the minus strand); the first of 3 consecutive G bases (chr17:58,216,724-58,216,726); deleting any one gives the same sequence. VCF-style (leftmost placement, unchanged base first): chr17-58216723-TG-T. GRCh37 (hg19) VCF-style: chr17-56294084-TG-T.
Other names: c.-309del (NM_001321268.2); c.203del, p.Pro68fs (NM_001321269.2, NM_001330397.2); c.201delC, p.Pro68Glnfs (NM_001411113.1); short protein forms P68fs.
Identifiers: ClinVar variation 2081577 (VCV002081577.4), dbSNP rs2509457712, ClinGen allele CA2580094293.

ClinVar aggregate classification (germline): Pathogenic (1 of 4 stars; one submission).

Conditions:
Joubert syndrome. Also called: CEREBELLOPARENCHYMAL DISORDER IV; JOUBERT-BOLTSHAUSER SYNDROME; Familial aplasia of the vermis. Identifiers: Orphanet 475, MedGen C5979921, MONDO:0018772.
Meckel-Gruber syndrome. Also called: DYSENCEPHALIA SPLANCHNOCYSTICA; GRUBER SYNDROME; Dysencephalia splachnocystica. Identifiers: Orphanet 564, MedGen C0265215, MONDO:0018921.

Submission:

Labcorp Genetics (formerly Invitae), Labcorp
Classification: Pathogenic for Joubert syndrome; Meckel-Gruber syndrome. Last evaluated: 2022-01-19. Review status: criteria provided, single submitter. Criteria: Invitae Variant Classification Sherloc (09022015). Collection method: clinical testing. Allele origin: germline.
Comment: For these reasons, this variant has been classified as Pathogenic. This variant has not been reported in the literature in individuals affected with MKS1-related conditions. This variant is not present in population databases (gnomAD no frequency). This sequence change creates a premature translational stop signal (p.Pro68Glnfs*10) in the MKS1 gene. It is expected to result in an absent or disrupted protein product. Loss-of-function variants in MKS1 are known to be pathogenic (PMID: 19466712, 24886560, 26490104).

Literature cited by the submitters: PubMed 19466712; PubMed 24886560; PubMed 26490104.